The following is an entry in ClinVar:

NM_002470.4(MYH3):c.4903C>G (p.Arg1635Gly)

Gene: MYH3 (myosin heavy chain 3; minus strand). Cytogenetic location: 17p13.1.
Variant type: single nucleotide variant.
Coding change: c.4903C>G on transcript NM_002470.4 (MANE Select); coding-DNA position 4903, C replaced by G.
Protein change: p.Arg1635Gly; replaces arginine 1635 with glycine.
Molecular consequence: missense variant.
Genome position (GRCh38, 1-based): chr17:10,632,529, G>C on the plus strand (C>G on the coding strand, the complement: MYH3 is on the minus strand). VCF-style: chr17-10632529-G-C. GRCh37 (hg19) VCF-style: chr17-10535846-G-C.
Other names: c.4903C>G (NM_002470.3); short protein forms R1635G.
Identifiers: ClinVar variation 2049731 (VCV002049731.4), dbSNP rs759990440, ClinGen allele CA8392097.
Genomic context (GRCh38, chr17:10,632,529, plus strand): 5'-CTCAAACCTTCAGCTGTCCCTGGACACTCCTGAGGTGTTTGAGGGTCTCCGCCGCCTGGC[G>C]GTTGGCGTGGCTCAGCTGGATCTCGATTTCATTCAGGTCCCCCTCCATCTTCTTCTTGAG-3'
Protein context (NP_002461.2, residues 1625-1645): EIEIQLSHAN[Arg1635Gly]QAAETLKHLR

ClinVar aggregate classification (germline): Uncertain significance. Review status: criteria provided, multiple submitters, no conflicts (2 of 4 stars). 2 submissions from 2 submitters: Uncertain significance (2). Last evaluated 2026-09-02.

Conditions:
Inborn genetic diseases. Identifiers: MedGen C0950123, MeSH D030342.

gnomAD v4.1: 16 of 1,614,158 alleles (0.00099%); highest among the groups gnomAD compares: Non-Finnish European, 0.0012%; no homozygotes.

Submissions (2):

Ambry Genetics
Classification: Uncertain significance for Inborn genetic diseases. Last evaluated: 2026-09-02. Review status: criteria provided, single submitter. Criteria: Ambry Variant Classification Scheme 2023. Collection method: clinical testing. Allele origin: germline.
Comment: The c.4903C>G (p.R1635G) alteration is located in exon 34 (coding exon 32) of the MYH3 gene. This alteration results from a C to G substitution at nucleotide position 4903, causing the arginine (R) at amino acid position 1635 to be replaced by a glycine (G). Based on data from gnomAD, the G allele has an overall frequency of 0.001% (2/251118) total alleles studied. The highest observed frequency was 0.002% (2/113428) of European (non-Finnish) alleles. Based on insufficient or conflicting evidence, the clinical significance of this alteration remains unclear.

Labcorp Genetics (formerly Invitae), Labcorp
Classification: Uncertain significance. Last evaluated: 2024-07-13. Review status: criteria provided, single submitter. Criteria: Invitae Variant Classification Sherloc (09022015). Collection method: clinical testing. Allele origin: germline.
Comment: This sequence change replaces arginine, which is basic and polar, with glycine, which is neutral and non-polar, at codon 1635 of the MYH3 protein (p.Arg1635Gly). This variant is present in population databases (rs759990440, gnomAD 0.002%). This variant has not been reported in the literature in individuals affected with MYH3-related conditions. ClinVar contains an entry for this variant (Variation ID: 2049731). Advanced modeling of protein sequence and biophysical properties (such as structural, functional, and spatial information, amino acid conservation, physicochemical variation, residue mobility, and thermodynamic stability) performed at Invitae indicates that this missense variant is not expected to disrupt MYH3 protein function with a negative predictive value of 95%. In summary, the available evidence is currently insufficient to determine the role of this variant in disease. Therefore, it has been classified as a Variant of Uncertain Significance.